The following is an entry in ClinVar:

ClinVar aggregate classification (germline): Benign (1 of 4 stars; one submission).

Allele frequency attached by ClinVar (database versions not stated): 1000 Genomes Project 0.00379; 1000 Genomes Project 30x 0.00484; gnomAD 0.00784; TOPMed 0.00812.

Submission:

CeGaT Center for Human Genetics Tuebingen
Classification: Benign. Last evaluated: 2024-03-01. Review status: criteria provided, single submitter. Criteria: CeGaT Center For Human Genetics Tuebingen Variant Classification Criteria Version 2. Collection method: clinical testing. Allele origin: germline. Affected: yes. Observed: 5 variant alleles.
Comment: MEG3: BS1, BS2

NC_000014.9:g.100831954T>G

Gene: MEG3 (maternally expressed 3; plus strand). Cytogenetic location: 14q32.2.
Variant type: single nucleotide variant.
Genome position: GRCh38 VCF-style: chr14-100831954-T-G. GRCh37 (hg19) VCF-style: chr14-101298291-T-G.
Identifiers: ClinVar variation 2644540 (VCV002644540.24), dbSNP rs72698763, ClinGen allele CA266909057.
Genomic context (GRCh38, chr14:100,831,954, plus strand): 5'-GGTCAGGTGGGATGTCTCACAGGTAAGCACCAGATGCCATTTGAAAGGCTTGAAGCAAAG[T>G]CAATAAAGCATTCATGGGAAAATACAACTGGAGGCACCACTAGATTTTCGTATACATTAG-3'